The following is an entry in ClinVar:

ClinVar aggregate classification (germline): Conflicting classifications of pathogenicity. Review status: criteria provided, conflicting classifications (1 of 4 stars). 9 submissions from 9 submitters: Uncertain significance (6); Likely benign (1). 2 of the submissions do not count toward it. Last evaluated 2026-04-09.

Conditions:
MIRAGE syndrome. Also called: MYELODYSPLASIA, INFECTION, RESTRICTION OF GROWTH, ADRENAL HYPOPLASIA, GENITAL PHENOTYPES, AND ENTEROPATHY. Identifiers: Orphanet 494433, MedGen C4284088, MONDO:0014888, OMIM 617053.
Normophosphatemic familial tumoral calcinosis. Also called: CALCINOSIS, TUMORAL, WITH NORMOPHOSPHATEMIA. Identifiers: Orphanet 306658, Orphanet 53715, MedGen C1864861, MONDO:0012502, OMIM 610455.
Monosomy 7 myelodysplasia and leukemia syndrome 2. Identifiers: MedGen C5436668, MONDO:0030801, OMIM 619041.
Inborn genetic diseases. Identifiers: MedGen C0950123, MeSH D030342.
SAMD9-related disorder. Also called: SAMD9-related condition.

Allele frequency attached by ClinVar (database versions not stated): ExAC 0.00044; gnomAD exomes 0.00048 and 0.00129; gnomAD 0.00086 and 0.00090; TOPMed 0.00092; ESP Exome Variant Server 0.00123.

Submissions (9):

PreventionGenetics, part of Exact Sciences
Classification: Uncertain significance for SAMD9-related condition. Last evaluated: 2026-04-09. Review status: criteria provided, single submitter. Criteria: ACMG Guidelines, 2015. Collection method: clinical testing. Allele origin: germline.
Comment: The SAMD9 c.2686T>C variant is predicted to result in the amino acid substitution p.Tyr896His. To our knowledge, this variant has not been reported in the literature. This variant is reported in 0.089% of alleles in individuals of European (Non-Finnish) descent in gnomAD, which is likely too common to be a primary cause of disease. This variant has interpretations of likely benign and uncertain significance in ClinVar (Variation ID: 1174761). Although we suspect that this variant may be benign, at this time, the clinical significance of this variant is uncertain due to the absence of conclusive functional and genetic evidence.

St. Jude Molecular Pathology, St. Jude Children's Research Hospital
Classification: Uncertain significance for Monosomy 7 myelodysplasia and leukemia syndrome 2. Last evaluated: 2026-02-20. Review status: criteria provided, single submitter. Criteria: St. Jude Assertion Criteria 2020. Collection method: clinical testing. Allele origin: germline.
Comment: The SAMD9 c.2686T>C (p.Tyr896His) missense change has a maximum subpopulation fre quency of 0.089% in gnomAD v2.1.1. The in silico tool REVEL is inconclusive about a pathogenic or benign effect of this variant on protein function, however in silico predictions have not been found to correlate with syndromic risk for SAMD9 variants and are thus not considered supporting evidence of a pathogenic or benign effect (PMID: 34621053). To our knowledge, this variant has not been reported in individuals with SAMD9-associated conditions. In summary, the evi dence currently available is insufficient to determine the clinical significance of this variant. It has therefore been classified as of uncertain significance.

Labcorp Genetics (formerly Invitae), Labcorp
Classification: Uncertain significance. Last evaluated: 2026-02-04. Review status: criteria provided, single submitter. Criteria: Invitae Variant Classification Sherloc (09022015). Collection method: clinical testing. Allele origin: germline.
Comment: This sequence change replaces tyrosine, which is neutral and polar, with histidine, which is basic and polar, at codon 896 of the SAMD9 protein (p.Tyr896His). This variant is present in population databases (rs142611434, gnomAD 0.09%), and has an allele count higher than expected for a pathogenic variant. This variant has not been reported in the literature in individuals affected with SAMD9-related conditions. ClinVar contains an entry for this variant (Variation ID: 1174761). Invitae Evidence Modeling of protein sequence and biophysical properties (such as structural, functional, and spatial information, amino acid conservation, physicochemical variation, residue mobility, and thermodynamic stability) has been performed for this missense variant. However, the output from this modeling did not meet the statistical confidence thresholds required to predict the impact of this variant on SAMD9 protein function. In summary, the available evidence is currently insufficient to determine the role of this variant in disease. Therefore, it has been classified as a Variant of Uncertain Significance.

GeneDx
Classification: Uncertain significance. Last evaluated: 2025-06-11. Review status: criteria provided, single submitter. Criteria: GeneDx Variant Classification Process June 2021. Collection method: clinical testing. Allele origin: germline. Affected: yes.
Comment: In silico analysis supports that this missense variant has a deleterious effect on protein structure/function; Has not been previously published as pathogenic or benign to our knowledge; This variant is associated with the following publications: (PMID: 28545555)

Department of Pathology and Laboratory Medicine, Sinai Health System
Classification: Uncertain significance for Normophosphatemic familial tumoral calcinosis; MIRAGE syndrome; Monosomy 7 myelodysplasia and leukemia syndrome 2. Last evaluated: 2023-02-05. Review status: criteria provided, single submitter. Criteria: ACMG Guidelines, 2015. Collection method: research. Allele origin: germline.

Ambry Genetics
Classification: Likely benign for Inborn genetic diseases. Last evaluated: 2021-06-22. Review status: criteria provided, single submitter. Criteria: Ambry Variant Classification Scheme 2023. Collection method: clinical testing. Allele origin: germline.

Genetic Services Laboratory, University of Chicago
Classification: Uncertain significance. Last evaluated: 2020-07-31. Review status: criteria provided, single submitter. Criteria: ACMG Guidelines, 2015. Collection method: clinical testing. Allele origin: germline. Affected: no.
Comment: The second variant identified, c.2686T>C, in exon 3 that results in an amino acid change, p.Tyr896His. This sequence change does not appear to have been previously described in patients with SAMD9-related disorders. This sequence change has been described in the gnomAD database with a low population frequency of 0.050% (dbSNP rs142611434). The p.Tyr896His change affects a moderately conserved amino acid residue of the SAMD9 protein. In-silico pathogenicity prediction tools (SIFT, PolyPhen2, Align GVGD, REVEL) provide contradictory results for the p.Tyr896His substitution. Due to these contrasting evidences and the lack of functional studies, the clinical significance of the p.Tyr896His change remains unknown at this time.

Clinical Genetics DNA and cytogenetics Diagnostics Lab, Erasmus MC, Erasmus Medical Center
Classification: Uncertain significance. Review status: no assertion criteria provided. Collection method: clinical testing. Allele origin: germline. Affected: yes. Study: VKGL Data-share Consensus. Not counted in ClinVar's aggregate classification.

Diagnostic Laboratory, Department of Genetics, University Medical Center Groningen
Classification: Uncertain significance. Review status: no assertion criteria provided. Collection method: clinical testing. Allele origin: germline. Affected: yes. Study: VKGL Data-share Consensus. Not counted in ClinVar's aggregate classification.

NM_017654.4(SAMD9):c.2686T>C (p.Tyr896His)

Gene: SAMD9 (sterile alpha motif domain containing 9; minus strand). Cytogenetic location: 7q21.2.
Variant type: single nucleotide variant.
Coding change: c.2686T>C on transcript NM_017654.4 (MANE Select); coding-DNA position 2686, T replaced by C.
Protein change: p.Tyr896His; replaces tyrosine 896 with histidine.
Molecular consequence: missense variant.
Genome position (GRCh38, 1-based): chr7:93,103,412, A>G on the plus strand (T>C on the coding strand, the complement: SAMD9 is on the minus strand). VCF-style: chr7-93103412-A-G. GRCh37 (hg19) VCF-style: chr7-92732725-A-G.
Other names: c.2686T>C, p.Tyr896His (NM_001193307.2); short protein forms Y896H.
Identifiers: ClinVar variation 1174761 (VCV001174761.27), dbSNP rs142611434, ClinGen allele CA4342799.